The following is an entry in ClinVar:

ClinVar aggregate classification (germline): Pathogenic. Review status: criteria provided, multiple submitters, no conflicts (2 of 4 stars). 6 submissions from 6 submitters: Pathogenic (5). 1 of the submissions does not count toward it. Last evaluated 2025-07-09.

Conditions:
NAGLU-related disorder. Also called: NAGLU-related condition.
Mucopolysaccharidosis, MPS-III-B (MPS3B). Also called: MPS III B; MUCOPOLYSACCHARIDOSIS, TYPE IIIB; N-ACETYL-ALPHA-D-GLUCOSAMINIDASE DEFICIENCY; NAGLU DEFICIENCY; SANFILIPPO SYNDROME B; Mucopolysaccharidosis type IIIB (Sanfilippo B). Identifiers: Orphanet 79270, MedGen C0086648, MONDO:0009656, OMIM 252920.
Charcot-Marie-Tooth disease axonal type 2V. Also called: CHARCOT-MARIE-TOOTH NEUROPATHY, TYPE 2V; CHARCOT-MARIE-TOOTH DISEASE, AXONAL, AUTOSOMAL DOMINANT, TYPE 2V. Identifiers: Orphanet 447964, MedGen C5569050, MONDO:0014665, OMIM 616491.

Allele frequency attached by ClinVar (database versions not stated): gnomAD exomes 0.00004 and below 0.00001; TOPMed below 0.00001; gnomAD 0.00001; ExAC 0.00003.

Submissions (6):

Natera, Inc.
Classification: Pathogenic for Mucopolysaccharidosis type IIIB. Last evaluated: 2025-07-09. Review status: criteria provided, single submitter. Criteria: Natera Variant Classification Schema (03/2026). Collection method: clinical testing. Allele origin: germline.
Comment: The c.1447dupT variant in NAGLU is a frameshift variant predicted to shift the reading frame beginning at codon 483 and leads to a stop codon 33 codons downstream. This variant is expected to result in nonsense mediated decay, truncation, or a dysfunctional protein product. This variant is rare in the general population with a frequency below the threshold expected for the associated phenotype(s). This variant has been observed in one or more individuals affected with the associated recessive disease, as either homozygous or compound heterozygous with a second variant (PMID: 27590925, 9832037). Given the available evidence, this variant is classified as Pathogenic.

Fulgent Genetics
Classification: Pathogenic for Mucopolysaccharidosis, MPS-III-B; Charcot-Marie-Tooth disease axonal type 2V. Last evaluated: 2024-06-24. Review status: criteria provided, single submitter. Criteria: ACMG Guidelines, 2015. Collection method: clinical testing. Allele origin: germline.

Labcorp Genetics (formerly Invitae), Labcorp
Classification: Pathogenic for Charcot-Marie-Tooth disease axonal type 2V; Mucopolysaccharidosis, MPS-III-B. Last evaluated: 2024-04-03. Review status: criteria provided, single submitter. Criteria: Invitae Variant Classification Sherloc (09022015). Collection method: clinical testing. Allele origin: germline.
Comment: This sequence change creates a premature translational stop signal (p.Tyr483Leufs*33) in the NAGLU gene. While this is not anticipated to result in nonsense mediated decay, it is expected to disrupt the last 261 amino acid(s) of the NAGLU protein. This variant is present in population databases (rs778021009, gnomAD 0.001%). This premature translational stop signal has been observed in individuals with mucopolysaccharidosis type IIIB (PMID: 9832037, 27590925). ClinVar contains an entry for this variant (Variation ID: 557862). This variant disrupts a region of the NAGLU protein in which other variant(s) (p.Arg533*) have been determined to be pathogenic (PMID: 18218046). This suggests that this is a clinically significant region of the protein, and that variants that disrupt it are likely to be disease-causing. For these reasons, this variant has been classified as Pathogenic.

Blueprint Genetics
Classification: Pathogenic for NAGLU-related disorders. Last evaluated: 2022-03-10. Review status: criteria provided, single submitter. Criteria: ACMG Guidelines, 2015. Collection method: clinical testing. Allele origin: germline. Affected: yes. Observed: 1 variant allele.

Women's Health and Genetics/Laboratory Corporation of America, LabCorp
Classification: Pathogenic for Mucopolysaccharidosis, MPS-III-B. Last evaluated: 2020-11-06. Review status: criteria provided, single submitter. Criteria: LabCorp Variant Classification Summary - May 2015. Collection method: clinical testing. Allele origin: germline.
Comment: Variant summary: NAGLU c.1447dupT (p.Tyr483LeufsX33) results in a premature termination codon, predicted to cause a truncation of the encoded protein or absence of the protein due to nonsense mediated decay, which are commonly known mechanisms for disease. The variant allele was found at a frequency of 4.5e-06 in 222278 control chromosomes. c.1447dupT has been reported in the literature in individuals affected with Mucopolysaccharidosis Type IIIB (Sanfilippo Syndrome B; e.g. Beesley_1998, Truxal_2016). These data indicate that the variant may be associated with disease. At least one publication reports experimental evidence that cells expressing the variant had no detectable enzyme activity in-vitro (e.g. Clark_2018). Two clinical diagnostic laboratories have submitted clinical-significance assessments for this variant to ClinVar after 2014 without evidence for independent evaluation. Both laboratories cited the variant as pathogenic/likely pathogenic. Based on the evidence outlined above, the variant was classified as pathogenic.

Counsyl
Classification: Likely pathogenic for Mucopolysaccharidosis, MPS-III-B. Last evaluated: 2018-04-13. Review status: no assertion criteria provided. Collection method: clinical testing. Allele origin: unknown. Not counted in ClinVar's aggregate classification.

Literature cited by the submitters: PubMed 27590925 (cited by 3 submitters); PubMed 9832037 (cited by 4 submitters); PubMed 18218046 (cited by Labcorp Genetics (formerly Invitae), Labcorp); PubMed 29979746 (cited by Women's Health and Genetics/Laboratory Corporation of America, LabCorp).

NM_000263.4(NAGLU):c.1447dup (p.Tyr483fs)

Gene: NAGLU (N-acetyl-alpha-glucosaminidase; plus strand). Cytogenetic location: 17q21.2.
Variant type: Duplication.
Coding change: c.1447dup on transcript NM_000263.4 (MANE Select); coding-DNA position 1447, one base duplicated (T; older notation c.1447dupT).
Protein change: p.Tyr483fs; shifts the reading frame from tyrosine 483.
Molecular consequence: frameshift variant.
Genome position (GRCh38, 1-based): chr17:42,543,453, T duplicated. VCF-style (leftmost placement, unchanged base first): chr17-42543452-G-GT. GRCh37 (hg19) VCF-style: chr17-40695470-G-GT.
Other names: c.1447dupT (NM_000263.3); short protein forms Y483fs.
Identifiers: ClinVar variation 557862 (VCV000557862.17), dbSNP rs778021009, ClinGen allele CA8577024.